The following is an entry in ClinVar:

NM_020975.6(RET):c.158T>C (p.Val53Ala)

Gene: RET (ret proto-oncogene; plus strand). Cytogenetic location: 10q11.21.
Variant type: single nucleotide variant.
Coding change: c.158T>C on transcript NM_020975.6 (MANE Select); coding-DNA position 158, T replaced by C.
Protein change: p.Val53Ala; replaces valine 53 with alanine.
Molecular consequence: missense variant.
Genome position (GRCh38, 1-based): chr10:43,100,543, T>C. VCF-style: chr10-43100543-T-C. GRCh37 (hg19) VCF-style: chr10-43595991-T-C.
Other names: c.158T>C, p.Val53Ala (NM_000323.2, NM_001406743.1, NM_001406744.1 and 34 more transcripts); short protein forms V53A.
Identifiers: ClinVar variation 1709068 (VCV001709068.2), dbSNP rs2132659420, ClinGen allele CA376770217.

ClinVar aggregate classification (germline): Uncertain significance (1 of 4 stars; one submission).

Conditions:
Hirschsprung disease, susceptibility to, 1 (HSCR1). Also called: RET-Related Hirschsprung Disease. Identifiers: Orphanet 388, MedGen C3888239, MONDO:0007723, OMIM 142623.

Submission:

MGZ Medical Genetics Center
Classification: Uncertain significance for Hirschsprung disease, susceptibility to, 1. Last evaluated: 2022-01-13. Review status: criteria provided, single submitter. Criteria: ACMG Guidelines, 2015. Collection method: clinical testing. Allele origin: germline. Affected: yes. Observed: 1 variant allele.
Comment: ACMG criteria applied: PM2_SUP, PP3